The following is an entry in ClinVar:

ClinVar aggregate classification (germline): Pathogenic (1 of 4 stars; one submission).

Conditions:
Bethlem myopathy 1A. Also called: Bethlem Muscular Dystrophy; Bethlem myopathy 1; MYOPATHY, BENIGN CONGENITAL, WITH CONTRACTURES. Identifiers: Orphanet 610, MedGen CN029274, MONDO:0024530, OMIM 158810.

Submission:

Labcorp Genetics (formerly Invitae), Labcorp
Classification: Pathogenic for Bethlem myopathy 1A. Last evaluated: 2023-08-09. Review status: criteria provided, single submitter. Criteria: Invitae Variant Classification Sherloc (09022015). Collection method: clinical testing. Allele origin: germline.
Comment: This sequence change creates a premature translational stop signal (p.Asp955Glufs*37) in the COL6A2 gene. While this is not anticipated to result in nonsense mediated decay, it is expected to disrupt the last 65 amino acid(s) of the COL6A2 protein. This variant is not present in population databases (gnomAD no frequency). For these reasons, this variant has been classified as Pathogenic. This variant disrupts a region of the COL6A2 protein in which other variant(s) (p.Tyr1002*) have been determined to be pathogenic (PMID: 29419890). This suggests that this is a clinically significant region of the protein, and that variants that disrupt it are likely to be disease-causing. ClinVar contains an entry for this variant (Variation ID: 2148561). This variant has not been reported in the literature in individuals affected with COL6A2-related conditions.

Literature cited by the submitters: PubMed 29419890.

NM_001849.4(COL6A2):c.2865_2866del (p.Asp955fs)

Gene: COL6A2 (collagen type VI alpha 2 chain; plus strand). Cytogenetic location: 21q22.3.
Variant type: Deletion.
Coding change: c.2865_2866del on transcript NM_001849.4 (MANE Select); coding-DNA positions 2865 to 2866, 2 bases deleted (CA; older notation c.2865_2866delCA).
Protein change: p.Asp955fs; shifts the reading frame from aspartic acid 955.
Molecular consequence: frameshift variant.
Genome position (GRCh38, 1-based): chr21:46,132,357-46,132,358, CA deleted; deleting any 2 consecutive bases within chr21:46,132,356-46,132,358 gives the same sequence; the c. name uses the placement nearest the transcript's 3' end. VCF-style (leftmost placement, unchanged base first): chr21-46132355-GAC-G. GRCh37 (hg19) VCF-style: chr21-47552269-GAC-G.
Other names: short protein forms D955fs.
Identifiers: ClinVar variation 2148561 (VCV002148561.4), dbSNP rs2517030056, ClinGen allele CA2577630012.